The following is an entry in ClinVar:

ClinVar aggregate classification (germline): Likely benign (1 of 4 stars; one submission).

gnomAD v4.1: 1,522 of 1,606,654 alleles (0.095%); highest among the groups gnomAD compares: Non-Finnish European, 0.12%; no homozygotes.

Submission:

CeGaT Center for Human Genetics Tuebingen
Classification: Likely benign. Last evaluated: 2026-07-01. Review status: criteria provided, single submitter. Criteria: CeGaT Center For Human Genetics Tuebingen Variant Classification Criteria Version 2. Collection method: clinical testing. Allele origin: germline. Affected: yes. Observed: 3 variant alleles.
Comment: SMARCC1: BS1

NM_003074.4(SMARCC1):c.1746G>A (p.Met582Ile)

Gene: SMARCC1 (SWI/SNF related BAF chromatin remodeling complex subunit C1; minus strand). Cytogenetic location: 3p21.31.
Variant type: single nucleotide variant.
Coding change: c.1746G>A on transcript NM_003074.4 (MANE Select); coding-DNA position 1746, G replaced by A.
Protein change: p.Met582Ile; replaces methionine 582 with isoleucine.
Molecular consequence: missense variant.
Genome position (GRCh38, 1-based): chr3:47,675,568, C>T on the plus strand (G>A on the coding strand, the complement: SMARCC1 is on the minus strand). VCF-style: chr3-47675568-C-T. GRCh37 (hg19) VCF-style: chr3-47717058-C-T.
Other names: short protein forms M582I.
Identifiers: ClinVar variation 3898115 (VCV003898115.7).